The following is an entry in ClinVar:

ClinVar aggregate classification (germline): Uncertain significance. Review status: criteria provided, multiple submitters, no conflicts (2 of 4 stars). 2 submissions from 2 submitters: Uncertain significance (2). Last evaluated 2024-06-21.

Conditions:
Multiple endocrine neoplasia, type 1 (MEN1). Also called: MEN I; WERMER SYNDROME; Endocrine adenomatosis multiple; MEN 1; MEA I. Identifiers: Orphanet 652, MedGen C0025267, MeSH D018761, MONDO:0007540, OMIM 131100.

Submissions (2):

Labcorp Genetics (formerly Invitae), Labcorp
Classification: Uncertain significance for Multiple endocrine neoplasia, type 1. Last evaluated: 2024-06-21. Review status: criteria provided, single submitter. Criteria: Invitae Variant Classification Sherloc (09022015). Collection method: clinical testing. Allele origin: germline.
Comment: This sequence change replaces proline, which is neutral and non-polar, with threonine, which is neutral and polar, at codon 373 of the MEN1 protein (p.Pro373Thr). This variant is not present in population databases (gnomAD no frequency). This variant has not been reported in the literature in individuals affected with MEN1-related conditions. ClinVar contains an entry for this variant (Variation ID: 1460516). Advanced modeling of protein sequence and biophysical properties (such as structural, functional, and spatial information, amino acid conservation, physicochemical variation, residue mobility, and thermodynamic stability) performed at Invitae indicates that this missense variant is expected to disrupt MEN1 protein function with a positive predictive value of 95%. In summary, the available evidence is currently insufficient to determine the role of this variant in disease. Therefore, it has been classified as a Variant of Uncertain Significance.

Baylor Genetics
Classification: Uncertain significance for Multiple Endocrine Neoplasia Type 1. Last evaluated: 2023-08-23. Review status: criteria provided, single submitter. Criteria: ACMG Guidelines, 2015. Collection method: clinical testing. Allele origin: unknown.

NM_001370259.2(MEN1):c.1117C>A (p.Pro373Thr)

Gene: MEN1 (menin 1; minus strand). Cytogenetic location: 11q13.1.
Variant type: single nucleotide variant.
Coding change: c.1117C>A on transcript NM_001370259.2 (MANE Select); coding-DNA position 1117, C replaced by A.
Protein change: p.Pro373Thr; replaces proline 373 with threonine.
Molecular consequence: missense variant.
Genome position (GRCh38, 1-based): chr11:64,805,703, G>T on the plus strand (C>A on the coding strand, the complement: MEN1 is on the minus strand). VCF-style: chr11-64805703-G-T. GRCh37 (hg19) VCF-style: chr11-64573175-G-T.
Other names: c.1132C>A, p.Pro378Thr (NM_000244.4, NM_130800.3, NM_130801.3 and 3 more transcripts); c.1243C>A, p.Pro415Thr (NM_001370251.2); c.1117C>A, p.Pro373Thr (NM_001370260.2, NM_001370261.2, NM_130799.3); c.1012C>A, p.Pro338Thr (NM_001370262.2, NM_001370263.2); c.1117C>A (NM_130799.2); short protein forms P338T, P373T, P415T, P378T.
Identifiers: ClinVar variation 1460516 (VCV001460516.9), dbSNP rs794728627, ClinGen allele CA381182490.